The following is an entry in ClinVar:

ClinVar aggregate classification (germline): Uncertain significance (1 of 4 stars; one submission).

Conditions:
Inborn genetic diseases. Identifiers: MedGen C0950123, MeSH D030342.

gnomAD v4.1: 4 of 1,613,822 alleles (0.00025%); highest among the groups gnomAD compares: Admixed American, 0.0017%; no homozygotes.

Submission:

Ambry Genetics
Classification: Uncertain significance for Inborn genetic diseases. Last evaluated: 2025-01-18. Review status: criteria provided, single submitter. Criteria: Ambry Variant Classification Scheme 2023. Collection method: clinical testing. Allele origin: germline.
Comment: The p.L787V variant (also known as c.2359C>G), located in coding exon 26 of the FANCA gene, results from a C to G substitution at nucleotide position 2359. The leucine at codon 787 is replaced by valine, an amino acid with highly similar properties. This amino acid position is conserved. In addition, the in silico prediction for this alteration is inconclusive. Based on the available evidence, the clinical significance of this variant remains unclear.

NM_000135.4(FANCA):c.2359C>G (p.Leu787Val)

Gene: FANCA (FA complementation group A; minus strand). Cytogenetic location: 16q24.3.
Variant type: single nucleotide variant.
Coding change: c.2359C>G on transcript NM_000135.4 (MANE Select); coding-DNA position 2359, C replaced by G.
Protein change: p.Leu787Val; replaces leucine 787 with valine.
Molecular consequence: missense variant.
Genome position (GRCh38, 1-based): chr16:89,769,982, G>C on the plus strand (C>G on the coding strand, the complement: FANCA is on the minus strand). VCF-style: chr16-89769982-G-C. GRCh37 (hg19) VCF-style: chr16-89836390-G-C.
Other names: c.2359C>G, p.Leu787Val (NM_001286167.3); short protein forms L787V.
Identifiers: ClinVar variation 3848122 (VCV003848122.1).